The following is an entry in ClinVar:

ClinVar aggregate classification (germline): Uncertain significance (1 of 4 stars; one submission).

Conditions:
Malignant hyperthermia, susceptibility to, 1 (MHS1). Also called: RYR1-Related Malignant Hyperthermia Susceptibility; Anesthesia related hyperthermia; Malignant hyperpyrexia; Fulminating hyperpyrexia; Pharmacogenic myopathy; Malignant hyperthermia suceptibility 1. Identifiers: Orphanet 423, MedGen C2930980, MONDO:0007783, OMIM 145600.

Allele frequency attached by ClinVar (database versions not stated): gnomAD exomes below 0.00001.

Submission:

All of Us Research Program, National Institutes of Health
Classification: Uncertain significance for Malignant hyperthermia, susceptibility to, 1. Last evaluated: 2023-04-03. Review status: criteria provided, single submitter. Criteria: ACMG Guidelines, 2015. Collection method: clinical testing. Allele origin: germline. Inheritance: Autosomal dominant inheritance. Observed: 1 variant allele, 1 heterozygote.
Comment: This variant deletes 1 nucleotide in exon 49 of the RYR1 gene, creating a frameshift and premature translation stop signal. This variant is expected to result in an absent or non-functional protein product. To our knowledge, this variant has not been reported in individuals affected with RYR1-related disorders in the literature. This variant has not been identified in the general population by the Genome Aggregation Database (gnomAD). Loss of RYR1 function due to haploinsufficiency is not an established disease mechanism for autosomal dominant malignant hyperthermia, although it is associated with other phenotype(s). Due to insufficient evidence, this variant is classified as a Variant of Uncertain Significance for autosomal dominant malignant hyperthermia.

This study involves interpretation of variants in research participants for the purpose of population health screening. Participant phenotype was not available at the time of variant classification. Additional details can be found in publication PMID: 35346344, PMCID: PMC8962531

NM_000540.3(RYR1):c.7855del (p.Leu2619fs)

Gene: RYR1 (ryanodine receptor 1; plus strand). Cytogenetic location: 19q13.2.
Variant type: Deletion.
Coding change: c.7855del on transcript NM_000540.3 (MANE Select); coding-DNA position 7855, one base deleted (C; older notation c.7855delC).
Protein change: p.Leu2619fs; shifts the reading frame from leucine 2619.
Molecular consequence: frameshift variant.
Genome position (GRCh38, 1-based): chr19:38,502,899, C deleted. VCF-style (leftmost placement, unchanged base first): chr19-38502898-GC-G. GRCh37 (hg19) VCF-style: chr19-38993538-GC-G.
Other names: c.7855del, p.Leu2619fs (NM_001042723.2); short protein forms L2619fs.
Identifiers: ClinVar variation 3070169 (VCV003070169.1), dbSNP rs2514343165, ClinGen allele CA2584901126.